The following is an entry in ClinVar:

ClinVar aggregate classification (germline): Uncertain significance. Review status: criteria provided, multiple submitters, no conflicts (2 of 4 stars). 2 submissions from 2 submitters: Uncertain significance (2). Last evaluated 2025-12-04.

Conditions:
Inborn genetic diseases. Identifiers: MedGen C0950123, MeSH D030342.

gnomAD v4.1: 5 of 1,612,920 alleles (0.00031%); highest among the groups gnomAD compares: South Asian, 0.0055%; no homozygotes.

Submissions (2):

Ambry Genetics
Classification: Uncertain significance for Inborn genetic diseases. Last evaluated: 2025-12-04. Review status: criteria provided, single submitter. Criteria: Ambry Variant Classification Scheme 2023. Collection method: clinical testing. Allele origin: germline.
Comment: The c.2289C>A (p.H763Q) alteration is located in exon 8 (coding exon 7) of the WFS1 gene. This alteration results from a C to A substitution at nucleotide position 2289, causing the histidine (H) at amino acid position 763 to be replaced by a glutamine (Q). Based on data from gnomAD, the A allele has an overall frequency of 0.001% (2/246144) total alleles studied. The highest observed frequency was 0.007% (2/30504) of South Asian alleles. Based on insufficient or conflicting evidence, the clinical significance of this alteration remains unclear.

Labcorp Genetics (formerly Invitae), Labcorp
Classification: Uncertain significance. Last evaluated: 2025-11-10. Review status: criteria provided, single submitter. Criteria: Invitae Variant Classification Sherloc (09022015). Collection method: clinical testing. Allele origin: germline.
Comment: This sequence change replaces histidine, which is basic and polar, with glutamine, which is neutral and polar, at codon 763 of the WFS1 protein (p.His763Gln). This variant is present in population databases (rs760792351, gnomAD 0.007%). This variant has not been reported in the literature in individuals affected with WFS1-related conditions. Invitae Evidence Modeling of protein sequence and biophysical properties (such as structural, functional, and spatial information, amino acid conservation, physicochemical variation, residue mobility, and thermodynamic stability) has been performed for this missense variant. However, the output from this modeling did not meet the statistical confidence thresholds required to predict the impact of this variant on WFS1 protein function. In summary, the available evidence is currently insufficient to determine the role of this variant in disease. Therefore, it has been classified as a Variant of Uncertain Significance.

NM_006005.3(WFS1):c.2289C>A (p.His763Gln)

Gene: WFS1 (wolframin ER transmembrane glycoprotein; plus strand). Cytogenetic location: 4p16.1.
Variant type: single nucleotide variant.
Coding change: c.2289C>A on transcript NM_006005.3 (MANE Select); coding-DNA position 2289, C replaced by A.
Protein change: p.His763Gln; replaces histidine 763 with glutamine.
Molecular consequence: missense variant.
Genome position (GRCh38, 1-based): chr4:6,302,084, C>A. VCF-style: chr4-6302084-C-A. GRCh37 (hg19) VCF-style: chr4-6303811-C-A.
Other names: c.2289C>A, p.His763Gln (NM_001145853.1); short protein forms H763Q.
Identifiers: ClinVar variation 4634773 (VCV004634773.2).
Genomic context (GRCh38, chr4:6,302,084, plus strand): 5'-CCCTGGCAACACCTCCACGGCCGAGGAGGAGCTCTGTCGCCTTAAGCTGCTGGCCAAGCA[C>A]CCCTGCCACATCAAGAAGTTCGACCGCTACAAGTTTGAGATTACCGTGGGCATGCCATTC-3'
Protein context (NP_005996.2, residues 753-773): ELCRLKLLAK[His763Gln]PCHIKKFDRY